The following is an entry in ClinVar:

ClinVar aggregate classification (germline): Uncertain significance. Review status: criteria provided, multiple submitters, no conflicts (2 of 4 stars). 4 submissions from 4 submitters: Uncertain significance (3). 1 of the submissions does not count toward it. Last evaluated 2024-05-10.

Conditions:
Retinal dystrophy. Also called: Inherited retinal dystrophy. Identifiers: Orphanet 71862, MedGen C0854723, MeSH D058499, MONDO:0019118, HP:0000556.
Retinitis pigmentosa (RP). Identifiers: Orphanet 791, MedGen C0035334, MeSH D012174, MONDO:0019200, OMIM 268000. Inheritance: Autosomal dominant, autosomal recessive and X linked inheritance.

Allele frequency attached by ClinVar (database versions not stated): ExAC 0.00006; gnomAD exomes 0.00006; gnomAD 0.00009; ESP Exome Variant Server 0.00015; 1000 Genomes Project 30x 0.00016; TOPMed 0.00017; 1000 Genomes Project 0.00020.
gnomAD v4.1: 93 of 1,611,522 alleles (0.0058%); highest among the groups gnomAD compares: Admixed American, 0.018%; 1 homozygote.

Submissions (4):

Blueprint Genetics
Classification: Uncertain significance. Last evaluated: 2024-05-10. Review status: criteria provided, single submitter. Criteria: ACMG Guidelines, 2015. Collection method: clinical testing. Allele origin: germline.

Labcorp Genetics (formerly Invitae), Labcorp
Classification: Uncertain significance. Last evaluated: 2022-08-07. Review status: criteria provided, single submitter. Criteria: Invitae Variant Classification Sherloc (09022015). Collection method: clinical testing. Allele origin: germline.
Comment: This sequence change replaces arginine, which is basic and polar, with tryptophan, which is neutral and slightly polar, at codon 707 of the PDE6A protein (p.Arg707Trp). This variant is present in population databases (rs142092713, gnomAD 0.01%). This missense change has been observed in individual(s) with retinitis pigmentosa (PMID: 27208204). ClinVar contains an entry for this variant (Variation ID: 236449). Algorithms developed to predict the effect of missense changes on protein structure and function are either unavailable or do not agree on the potential impact of this missense change (SIFT: "Deleterious"; PolyPhen-2: "Probably Damaging"; Align-GVGD: "Class C0"). In summary, the available evidence is currently insufficient to determine the role of this variant in disease. Therefore, it has been classified as a Variant of Uncertain Significance.

Illumina Laboratory Services, Illumina
Classification: Uncertain significance for Retinitis pigmentosa. Last evaluated: 2018-01-13. Review status: criteria provided, single submitter. Criteria: ICSL Variant Classification Criteria 13 December 2019. Collection method: clinical testing. Allele origin: germline.

Centre for Genomic Medicine, Manchester, Central Manchester University Hospitals
Classification: Uncertain significance for Retinal dystrophy. Review status: no assertion criteria provided. Collection method: clinical testing. Allele origin: germline. Affected: yes. Not counted in ClinVar's aggregate classification.

Literature cited by the submitters: PubMed 27208204 (cited by Labcorp Genetics (formerly Invitae), Labcorp).

NM_000440.3(PDE6A):c.2119C>T (p.Arg707Trp)

Gene: PDE6A (phosphodiesterase 6A; minus strand). Cytogenetic location: 5q32.
Variant type: single nucleotide variant.
Coding change: c.2119C>T on transcript NM_000440.3 (MANE Select); coding-DNA position 2119, C replaced by T.
Protein change: p.Arg707Trp; replaces arginine 707 with tryptophan.
Molecular consequence: missense variant.
Genome position (GRCh38, 1-based): chr5:149,883,445, G>A on the plus strand (C>T on the coding strand, the complement: PDE6A is on the minus strand). VCF-style: chr5-149883445-G-A. GRCh37 (hg19) VCF-style: chr5-149263008-G-A.
Other names: short protein forms R707W.
Identifiers: ClinVar variation 236449 (VCV000236449.8), dbSNP rs142092713, ClinGen allele CA3504411.
Genomic context (GRCh38, chr5:149,883,445, plus strand): 5'-TCCTAAGCCTAAGAGGATCAGGTTTTAACCCCATCCCAACTCACATAACGATTTCCTTCC[G>A]TGTCTGCTCCAGCATCATGTACTGTGTCCACTCCTGTTCACTCTCATATGTCTTAGACTG-3'
Protein context (NP_000431.2, residues 697-717): WTQYMMLEQT[Arg707Trp]KEIVMAMMMT